The following is an entry in ClinVar:

ClinVar aggregate classification (germline): Uncertain significance. Review status: criteria provided, multiple submitters, no conflicts (2 of 4 stars). 2 submissions from 2 submitters: Uncertain significance (2). Last evaluated 2025-06-22.

Conditions:
Inborn genetic diseases. Identifiers: MedGen C0950123, MeSH D030342.

gnomAD v4.1: 1 of 1,614,204 alleles (0.000062%); highest among the groups gnomAD compares: Non-Finnish European, 0.000085%; no homozygotes.

Submissions (2):

Ambry Genetics
Classification: Uncertain significance for Inborn genetic diseases. Last evaluated: 2025-06-22. Review status: criteria provided, single submitter. Criteria: Ambry Variant Classification Scheme 2023. Collection method: clinical testing. Allele origin: germline.

Labcorp Genetics (formerly Invitae), Labcorp
Classification: Uncertain significance. Last evaluated: 2022-08-09. Review status: criteria provided, single submitter. Criteria: Invitae Variant Classification Sherloc (09022015). Collection method: clinical testing. Allele origin: germline.
Comment: This sequence change replaces alanine, which is neutral and non-polar, with threonine, which is neutral and polar, at codon 280 of the EIF2B3 protein (p.Ala280Thr). This variant is not present in population databases (gnomAD no frequency). This variant has not been reported in the literature in individuals affected with EIF2B3-related conditions. ClinVar contains an entry for this variant (Variation ID: 1482659). Algorithms developed to predict the effect of missense changes on protein structure and function output the following: SIFT: "Tolerated"; PolyPhen-2: "Benign"; Align-GVGD: "Class C0". The threonine amino acid residue is found in multiple mammalian species, which suggests that this missense change does not adversely affect protein function. In summary, the available evidence is currently insufficient to determine the role of this variant in disease. Therefore, it has been classified as a Variant of Uncertain Significance.

NM_020365.5(EIF2B3):c.838G>A (p.Ala280Thr)

Gene: EIF2B3 (eukaryotic translation initiation factor 2B subunit gamma; minus strand). Cytogenetic location: 1p34.1.
Variant type: single nucleotide variant.
Coding change: c.838G>A on transcript NM_020365.5 (MANE Select); coding-DNA position 838, G replaced by A.
Protein change: p.Ala280Thr; replaces alanine 280 with threonine.
Molecular consequence: missense variant.
Genome position (GRCh38, 1-based): chr1:44,879,955, C>T on the plus strand (G>A on the coding strand, the complement: EIF2B3 is on the minus strand). VCF-style: chr1-44879955-C-T. GRCh37 (hg19) VCF-style: chr1-45345627-C-T.
Other names: c.838G>A, p.Ala280Thr (NM_001166588.3, NM_001261418.2); c.838G>A (NM_020365.3); short protein forms A280T.
Identifiers: ClinVar variation 1482659 (VCV001482659.6), dbSNP rs759452164, ClinGen allele CA340119794.
Genomic context (GRCh38, chr1:44,879,955, plus strand): 5'-AGCGCACCTGTGATCTGGACAAGTCTTCCCACCTGTCTCCTCGACAGGCATTCCAGCAGG[C>T]ATCATAGGGAGCCAGGTTCAGTGTATTGGCTTCTTTTATAAAACTGTAGATATCTTCAGA-3'
Protein context (NP_065098.1, residues 270-290): ANTLNLAPYD[Ala280Thr]CWNACRGDRW